The following is an entry in ClinVar:

NM_174934.4(SCN4B):c.575A>G (p.Lys192Arg)

Gene: SCN4B (sodium voltage-gated channel beta subunit 4; minus strand). Cytogenetic location: 11q23.3.
Variant type: single nucleotide variant.
Coding change: c.575A>G on transcript NM_174934.4 (MANE Select); coding-DNA position 575, A replaced by G.
Protein change: p.Lys192Arg; replaces lysine 192 with arginine.
Molecular consequence: missense variant. On other transcripts: non-coding transcript variant (1).
Genome position (GRCh38, 1-based): chr11:118,141,225, T>C on the plus strand (A>G on the coding strand, the complement: SCN4B is on the minus strand). VCF-style: chr11-118141225-T-C. GRCh37 (hg19) VCF-style: chr11-118011940-T-C.
Other names: c.173A>G, p.Lys58Arg (NM_001142348.2); c.245A>G, p.Lys82Arg (NM_001142349.2); short protein forms K58R, K82R, K192R.
Identifiers: ClinVar variation 4825762 (VCV004825762.1).
Genomic context (GRCh38, chr11:118,141,225, plus strand): 5'-TGGGCTGCTGGGAGGACAGGAGTGTGCTCCAGATCAACTCACTTCTTCTCCCGAGTCTTC[T>C]TCAGGATGAAGATGATGAGTTTCTTGATCAGCAGGATGAGGATGAGGAGCCCGATGACCC-3'
Protein context (NP_777594.1, residues 182-202): LIKKLIIFIL[Lys192Arg]KTREKKKECL

ClinVar aggregate classification (germline): Uncertain significance (1 of 4 stars; one submission).

Conditions:
Cardiovascular phenotype. Identifiers: MedGen CN230736.

Submission:

Ambry Genetics
Classification: Uncertain significance for Cardiovascular phenotype. Last evaluated: 2026-03-11. Review status: criteria provided, single submitter. Criteria: Ambry Variant Classification Scheme 2023. Collection method: clinical testing. Allele origin: germline.
Comment: The p.K192R variant (also known as c.575A>G), located in coding exon 4 of the SCN4B gene, results from an A to G substitution at nucleotide position 575. The lysine at codon 192 is replaced by arginine, an amino acid with highly similar properties. This amino acid position is conserved. In addition, the in silico prediction for this alteration is inconclusive. Based on the available evidence, the clinical significance of this variant remains unclear.